The following is an entry in ClinVar:

NM_002471.4(MYH6):c.3302_3303inv (p.Val1101Ala)

Gene: MYH6 (myosin heavy chain 6; minus strand). Cytogenetic location: 14q11.2.
Variant type: Inversion.
Coding change: c.3302_3303inv on transcript NM_002471.4 (MANE Select).
Protein change: p.Val1101Ala; replaces valine 1101 with alanine.
Molecular consequence: missense variant.
Genome position: GRCh38 VCF-style: chr14-23392601-CA-TG. GRCh37 (hg19) VCF-style: chr14-23861810-CA-TG.
Other names: c.3302_3303invTG (NM_002471.3); c.3302_3303delinsCA (NM_002471.4); short protein forms V1101A.
Identifiers: ClinVar variation 239165 (VCV000239165.19), ClinGen allele CA10583166.

ClinVar aggregate classification (germline): Benign/Likely benign. Review status: criteria provided, multiple submitters, no conflicts (2 of 4 stars). 4 submissions from 4 submitters: Benign (1); Likely benign (3). Last evaluated 2026-04-02.

Conditions:
Cardiovascular phenotype. Identifiers: MedGen CN230736.
Hypertrophic cardiomyopathy 14. Identifiers: MedGen C2750467, MONDO:0013197, OMIM 613251.

Submissions (4):

Women's Health and Genetics/Laboratory Corporation of America, LabCorp
Classification: Likely benign. Last evaluated: 2026-04-02. Review status: criteria provided, single submitter. Criteria: LabCorp Variant Classification Summary - May 2015. Collection method: clinical testing. Allele origin: germline.
Comment: Variant summary: MYH6 c.3302_3303delinsCA (p.Val1101Ala) results in a non-conservative amino acid change in the encoded protein sequence. Algorithms developed to predict the effect of missense changes on protein structure and function are either unavailable or do not agree on the potential impact of this missense change. The variant allele was found at a frequency of 0.00026 in 282736 control chromosomes, predominantly at a frequency of 0.0028 within the African or African-American subpopulation in the gnomAD database. The observed variant frequency within African or African-American control individuals in the gnomAD database exceeds the estimated maximal expected allele frequency for disease-causing variants in MYH6. To our knowledge, no occurrence of c.3302_3303delinsCA in individuals affected with MYH6-related conditions and no experimental evidence demonstrating its impact on protein function have been reported. ClinVar contains an entry for this variant (Variation ID: 239165). Based on the evidence outlined above, the variant was classified as likely benign.

Labcorp Genetics (formerly Invitae), Labcorp
Classification: Benign for Hypertrophic cardiomyopathy 14. Last evaluated: 2025-12-24. Review status: criteria provided, single submitter. Criteria: Invitae Variant Classification Sherloc (09022015). Collection method: clinical testing. Allele origin: germline.

GeneDx
Classification: Likely benign. Last evaluated: 2021-03-09. Review status: criteria provided, single submitter. Criteria: GeneDx Variant Classification Process June 2021. Collection method: clinical testing. Allele origin: germline. Affected: yes.
Comment: This variant is associated with the following publications: (PMID: 29396286)

Ambry Genetics
Classification: Likely benign for Cardiovascular phenotype. Last evaluated: 2019-02-11. Review status: criteria provided, single submitter. Criteria: Ambry Variant Classification Scheme 2023. Collection method: clinical testing. Allele origin: germline.